The following is an entry in ClinVar:

ClinVar aggregate classification (germline): Likely benign. Review status: criteria provided, multiple submitters, no conflicts (2 of 4 stars). 2 submissions from 2 submitters: Likely benign (2). Last evaluated 2026-07-14.

Conditions:
BBIP1-related disorder. Also called: BBIP1-related condition.

gnomAD v4.1: 34 of 681,430 alleles (0.005%); highest among the groups gnomAD compares: African/African-American, 0.036%; no homozygotes.

Submissions (2):

PreventionGenetics, part of Exact Sciences
Classification: Likely benign for BBIP1-related condition. Last evaluated: 2026-07-14. Review status: criteria provided, single submitter. Criteria: ACMG Guidelines, 2015. Collection method: clinical testing. Allele origin: germline.
Comment: This variant is classified as likely benign based on ACMG/AMP sequence variant interpretation guidelines (Richards et al. 2015 PMID: 25741868, with internal and published modifications).

Blueprint Genetics
Classification: Likely benign. Last evaluated: 2024-09-15. Review status: criteria provided, single submitter. Criteria: ACMG Guidelines, 2015. Collection method: clinical testing. Allele origin: germline.

NM_001195305.3(BBIP1):c.38-6070G>A

Gene: BBIP1 (BBSome interacting protein 1; minus strand). Cytogenetic location: 10q25.2.
Variant type: single nucleotide variant.
Coding change: c.38-6070G>A on transcript NM_001195305.3 (MANE Select); 6070 bases into the intron before coding-DNA position 38, G replaced by A.
Molecular consequence: intron variant. On other transcripts: synonymous variant (1).
Genome position (GRCh38, 1-based): chr10:110,907,682, C>T on the plus strand (G>A on the coding strand, the complement: BBIP1 is on the minus strand). VCF-style: chr10-110907682-C-T. GRCh37 (hg19) VCF-style: chr10-112667440-C-T.
Other names: c.192G>A, p.Ala64= (NM_001195304.2); c.38-6070G>A (NM_001195306.2); c.-29-6070G>A (NM_001243783.3); c.38-7156G>A (NM_001195307.2); c.192G>A (NM_001195304.1).
Identifiers: ClinVar variation 4909566 (VCV004909566.2).